The following is an entry in ClinVar:

ClinVar aggregate classification (germline): Uncertain significance (1 of 4 stars; one submission).

Conditions:
Desmin-related myofibrillar myopathy (MFM1). Also called: Desmin related myopathy (former name); Desminopathy; Desmin storage myopathy (former name); Myofibrillar myopathy 1; MYOFIBRILLAR MYOPATHY WITH ARRHYTHMOGENIC RIGHT VENTRICULAR CARDIOMYOPATHY; DESMIN-RELATED MYOPATHY WITH ARRHYTHMOGENIC RIGHT VENTRICULAR CARDIOMYOPATHY. Identifiers: Orphanet 363543, Orphanet 98909, MedGen C1832370, MONDO:0011076, OMIM 601419.

gnomAD v4.1: 1 of 1,613,810 alleles (0.000062%); no homozygotes.

Submission:

Labcorp Genetics (formerly Invitae), Labcorp
Classification: Uncertain significance for Desmin-related myofibrillar myopathy. Last evaluated: 2019-10-04. Review status: criteria provided, single submitter. Criteria: Invitae Variant Classification Sherloc (09022015). Collection method: clinical testing. Allele origin: germline.
Comment: This sequence change replaces asparagine with tyrosine at codon 427 of the DES protein (p.Asn427Tyr). The asparagine residue is moderately conserved and there is a large physicochemical difference between asparagine and tyrosine. This variant is not present in population databases (ExAC no frequency). This variant has not been reported in the literature in individuals with DES-related conditions. Algorithms developed to predict the effect of missense changes on protein structure and function are either unavailable or do not agree on the potential impact of this missense change (SIFT: "Deleterious"; PolyPhen-2: "Possibly Damaging"; Align-GVGD: "Class C15"). In summary, the available evidence is currently insufficient to determine the role of this variant in disease. Therefore, it has been classified as a Variant of Uncertain Significance.

NM_001927.4(DES):c.1279A>T (p.Asn427Tyr)

Gene: DES (desmin; plus strand). Cytogenetic location: 2q35.
Variant type: single nucleotide variant.
Coding change: c.1279A>T on transcript NM_001927.4 (MANE Select); coding-DNA position 1279, A replaced by T.
Protein change: p.Asn427Tyr; replaces asparagine 427 with tyrosine.
Molecular consequence: missense variant.
Genome position (GRCh38, 1-based): chr2:219,423,811, A>T. VCF-style: chr2-219423811-A-T. GRCh37 (hg19) VCF-style: chr2-220288533-A-T.
Other names: c.1276A>T, p.Asn426Tyr (NM_001382708.1); c.847A>T, p.Asn283Tyr (NM_001382709.1); c.1210A>T, p.Asn404Tyr (NM_001382710.1); c.1258A>T, p.Asn420Tyr (NM_001382711.1); c.1279A>T, p.Asn427Tyr (NM_001382712.1); c.1009A>T, p.Asn337Tyr (NM_001382713.1); short protein forms N426Y, N404Y, N420Y, N283Y, N337Y, N427Y.
Identifiers: ClinVar variation 964320 (VCV000964320.10), dbSNP rs1954488237, ClinGen allele CA350696727.